The following is an entry in ClinVar:

ClinVar aggregate classification (germline): Uncertain significance. Review status: criteria provided, multiple submitters, no conflicts (2 of 4 stars). 2 submissions from 2 submitters: Uncertain significance (2). Last evaluated 2025-06-10.

Conditions:
Cardiac arrhythmia. Also called: Arrhythmia; Cardiac rhythm disease. Identifiers: MedGen C0003811, MONDO:0007263, HP:0011675.
Long QT syndrome (LQTS). Identifiers: MedGen C0023976, MeSH D008133, MONDO:0002442. Disease mechanism: loss of function. Inheritance: Various modes of inheritance.

Submissions (2):

Color Diagnostics, LLC DBA Color Health
Classification: Uncertain significance for Cardiac arrhythmia. Last evaluated: 2025-06-10. Review status: criteria provided, single submitter. Criteria: ACMG Guidelines, 2015. Collection method: clinical testing. Allele origin: germline.
Comment: This missense variant replaces aspartic acid with histidine at codon 850 of the KCNH2 protein. Computational prediction suggests that this variant may have deleterious impact on protein structure and function. To our knowledge, functional studies have not been reported for this variant. This variant has not been reported in individuals affected with KCNH2-related disorders in the literature. This variant has not been identified in the general population by the Genome Aggregation Database (gnomAD). The available evidence is insufficient to determine the role of this variant in disease conclusively. Therefore, this variant is classified as a Variant of Uncertain Significance.

Labcorp Genetics (formerly Invitae), Labcorp
Classification: Uncertain significance for Long QT syndrome. Last evaluated: 2022-08-30. Review status: criteria provided, single submitter. Criteria: Invitae Variant Classification Sherloc (09022015). Collection method: clinical testing. Allele origin: germline.
Comment: In summary, the available evidence is currently insufficient to determine the role of this variant in disease. Therefore, it has been classified as a Variant of Uncertain Significance. Algorithms developed to predict the effect of missense changes on protein structure and function are either unavailable or do not agree on the potential impact of this missense change (SIFT: "Deleterious"; PolyPhen-2: "Probably Damaging"; Align-GVGD: "Class C0"). This variant has not been reported in the literature in individuals affected with KCNH2-related conditions. This variant is not present in population databases (gnomAD no frequency). This sequence change replaces aspartic acid, which is acidic and polar, with histidine, which is basic and polar, at codon 850 of the KCNH2 protein (p.Asp850His).

NM_000238.4(KCNH2):c.2548G>C (p.Asp850His)

Gene: KCNH2 (potassium voltage-gated channel subfamily H member 2; minus strand). Cytogenetic location: 7q36.1.
Variant type: single nucleotide variant.
Coding change: c.2548G>C on transcript NM_000238.4 (MANE Select); coding-DNA position 2548, G replaced by C.
Protein change: p.Asp850His; replaces aspartic acid 850 with histidine.
Molecular consequence: missense variant.
Genome position (GRCh38, 1-based): chr7:150,948,900, C>G on the plus strand (G>C on the coding strand, the complement: KCNH2 is on the minus strand). VCF-style: chr7-150948900-C-G. GRCh37 (hg19) VCF-style: chr7-150645988-C-G.
Other names: c.2260G>C, p.Asp754His (NM_001406753.1); c.1528G>C, p.Asp510His (NM_172057.3); short protein forms D850H, D510H, D754H.
Identifiers: ClinVar variation 1968813 (VCV001968813.6), dbSNP rs1036885088, ClinGen allele CA369854845.